The following is an entry in ClinVar:

NM_172107.4(KCNQ2):c.1148+117C>T

Gene: KCNQ2 (potassium voltage-gated channel subfamily Q member 2; minus strand). Cytogenetic location: 20q13.33.
Variant type: single nucleotide variant.
Coding change: c.1148+117C>T on transcript NM_172107.4 (MANE Select); 117 bases into the intron after coding-DNA position 1148, C replaced by T.
Molecular consequence: intron variant.
Genome position (GRCh38, 1-based): chr20:63,431,223, G>A on the plus strand (C>T on the coding strand, the complement: KCNQ2 is on the minus strand). VCF-style: chr20-63431223-G-A. GRCh37 (hg19) VCF-style: chr20-62062576-G-A.
Other names: c.1118+2586C>T (NM_004518.6); c.1148+117C>T (NM_172108.5, NM_172106.3).
Identifiers: ClinVar variation 675187 (VCV000675187.2), dbSNP rs118015498, ClinGen allele CA14765884.
Genomic context (GRCh38, chr20:63,431,223, plus strand): 5'-GCCGCCCAGCATGGGGCCACGCAGGGCAGGGGGCATAGGGATGCTCGGTGGGCAGGGACA[G>A]TGGTCACTCTGCAGACCGGGTGGGCCACGGGGCTCCAGGGGCTTGCCCGGTCACAGTTCC-3'

ClinVar aggregate classification (germline): Benign. Review status: criteria provided, multiple submitters, no conflicts (2 of 4 stars). 2 submissions from 2 submitters: Benign (2). Last evaluated 2018-06-19.

Allele frequency attached by ClinVar (database versions not stated): 1000 Genomes Project 30x 0.01234; 1000 Genomes Project 0.01298; TOPMed 0.02321; gnomAD 0.02918 and 0.02940; gnomAD exomes 0.03821.
gnomAD v4.1: 42,834 of 1,164,560 alleles (3.7%); highest among the groups gnomAD compares: Non-Finnish European, 4.3%; 1,021 homozygotes.

Submissions (2):

GeneDx
Classification: Benign. Last evaluated: 2018-06-19. Review status: criteria provided, single submitter. Criteria: GeneDx Variant Classification (06012015). Collection method: clinical testing. Allele origin: germline. Affected: yes.
Comment: This variant is considered likely benign or benign based on one or more of the following criteria: it is a conservative change, it occurs at a poorly conserved position in the protein, it is predicted to be benign by multiple in silico algorithms, and/or has population frequency not consistent with disease.

Breakthrough Genomics
Classification: Benign. Review status: criteria provided, single submitter. Criteria: ACMG Guidelines, 2015. Collection method: not provided. Allele origin: germline. Inheritance: Autosomal dominant inheritance. Affected: yes.